The following is an entry in ClinVar:

ClinVar aggregate classification (germline): Likely benign (1 of 4 stars; one submission).

Submission:

CeGaT Center for Human Genetics Tuebingen
Classification: Likely benign. Last evaluated: 2026-07-01. Review status: criteria provided, single submitter. Criteria: CeGaT Center For Human Genetics Tuebingen Variant Classification Criteria Version 2. Collection method: clinical testing. Allele origin: germline. Affected: yes. Observed: 1 variant allele.
Comment: KDM5B: BP4, BP7

NM_006618.5(KDM5B):c.3201G>A (p.Gln1067=)

Gene: KDM5B (lysine demethylase 5B; minus strand). Cytogenetic location: 1q32.1.
Variant type: single nucleotide variant.
Coding change: c.3201G>A on transcript NM_006618.5 (MANE Select); coding-DNA position 3201, G replaced by A.
Protein change: p.Gln1067=; no amino-acid change (glutamine 1067 retained).
Molecular consequence: synonymous variant.
Genome position (GRCh38, 1-based): chr1:202,736,276, C>T on the plus strand (G>A on the coding strand, the complement: KDM5B is on the minus strand). VCF-style: chr1-202736276-C-T. GRCh37 (hg19) VCF-style: chr1-202705404-C-T.
Other names: c.3309G>A, p.Gln1103= (NM_001314042.2); c.3066G>A, p.Gln1022= (NM_001347591.2); c.3186G>A, p.Gln1062= (NM_001399817.1).
Identifiers: ClinVar variation 5040236 (VCV005040236.1).